The following is an entry in ClinVar:

NM_015192.4(PLCB1):c.2855A>G (p.Tyr952Cys)

Gene: PLCB1 (phospholipase C beta 1; plus strand). Cytogenetic location: 20p12.3.
Variant type: single nucleotide variant.
Coding change: c.2855A>G on transcript NM_015192.4 (MANE Select); coding-DNA position 2855, A replaced by G.
Protein change: p.Tyr952Cys; replaces tyrosine 952 with cysteine.
Molecular consequence: missense variant.
Genome position (GRCh38, 1-based): chr20:8,765,283, A>G. VCF-style: chr20-8765283-A-G. GRCh37 (hg19) VCF-style: chr20-8745930-A-G.
Other names: c.2855A>G, p.Tyr952Cys (NM_182734.3); short protein forms Y952C.
Identifiers: ClinVar variation 3572846 (VCV003572846.1).

ClinVar aggregate classification (germline): Uncertain significance (1 of 4 stars; one submission).

gnomAD v4.1: 1 of 1,614,186 alleles (0.000062%); highest among the groups gnomAD compares: Non-Finnish European, 0.000085%; no homozygotes.

Submission:

GeneDx
Classification: Uncertain significance. Last evaluated: 2024-07-11. Review status: criteria provided, single submitter. Criteria: GeneDx Variant Classification Process June 2021. Collection method: clinical testing. Allele origin: germline. Affected: yes.
Comment: Not observed at significant frequency in large population cohorts (gnomAD); In silico analysis indicates that this missense variant does not alter protein structure/function; Has not been previously published as pathogenic or benign to our knowledge